The following is an entry in ClinVar:

ClinVar aggregate classification (germline): Uncertain significance (1 of 4 stars; one submission).

Conditions:
Familial adenomatous polyposis 1 (FAP1). Also called: FAMILIAL ADENOMATOUS POLYPOSIS 1, ATTENUATED; POLYPOSIS, ADENOMATOUS INTESTINAL. Identifiers: MedGen C2713442, MONDO:0021056, OMIM 175100. Disease mechanism: loss of function.

Submission:

Labcorp Genetics (formerly Invitae), Labcorp
Classification: Uncertain significance for Familial adenomatous polyposis 1. Last evaluated: 2019-12-27. Review status: criteria provided, single submitter. Criteria: Invitae Variant Classification Sherloc (09022015). Collection method: clinical testing. Allele origin: germline.
Comment: In summary, the available evidence is currently insufficient to determine the role of this variant in disease. Therefore, it has been classified as a Variant of Uncertain Significance. Experimental studies and prediction algorithms are not available for this variant, and the functional significance of this non-coding change is currently unknown. This variant has not been reported in the literature in individuals with APC-related conditions. The frequency data for this variant in the population databases is considered unreliable, as metrics indicate insufficient coverage at this position in the ExAC database. This variant occurs in a non-coding region of the APC gene. It does not change the encoded amino acid sequence of the APC protein.

NM_001127511.3(APC):c.123G>C (p.Pro41=)

Gene: APC (APC regulator of Wnt signaling pathway; plus strand). Cytogenetic location: 5q22.2.
Variant type: single nucleotide variant.
Coding change: c.123G>C on transcript NM_001127511.3; coding-DNA position 123, G replaced by C.
Protein change: p.Pro41=; no amino-acid change (proline 41 retained).
Molecular consequence: synonymous variant. On other transcripts: 5 prime UTR variant (8), non-coding transcript variant (1), intron variant (5).
Genome position (GRCh38, 1-based): chr5:112,707,840, G>C. VCF-style: chr5-112707840-G-C. GRCh37 (hg19) VCF-style: chr5-112043537-G-C.
Other names: c.-61G>C (NM_001354895.2, NM_001407447.1, NM_001407452.1 and 3 more transcripts); c.123G>C, p.Pro41= (NM_001354897.2, NM_001354902.2, NM_001407446.1); c.-1096G>C (NM_001407470.1, NM_001407472.1); c.-19+191G>C (NM_001407448.1, NM_001407450.1, NM_001407457.1 and 1 more transcripts); c.-43+191G>C (NM_001407453.1).
Identifiers: ClinVar variation 1005070 (VCV001005070.47), dbSNP rs1189155420, ClinGen allele CA1573442769.